The following is an entry in ClinVar:

NM_001199397.3(NEK1):c.277A>G (p.Asn93Asp)

Gene: NEK1 (NIMA related kinase 1; minus strand). Cytogenetic location: 4q33.
Variant type: single nucleotide variant.
Coding change: c.277A>G on transcript NM_001199397.3 (MANE Select); coding-DNA position 277, A replaced by G.
Protein change: p.Asn93Asp; replaces asparagine 93 with aspartic acid.
Molecular consequence: missense variant.
Genome position (GRCh38, 1-based): chr4:169,599,135, T>C on the plus strand (A>G on the coding strand, the complement: NEK1 is on the minus strand). VCF-style: chr4-169599135-T-C. GRCh37 (hg19) VCF-style: chr4-170520286-T-C.
Other names: c.277A>G, p.Asn93Asp (NM_001199398.3, NM_001199399.3, NM_001199400.3 and 7 more transcripts); short protein forms N93D.
Identifiers: ClinVar variation 733576 (VCV000733576.12), dbSNP rs201350526, ClinGen allele CA3138065.

ClinVar aggregate classification (germline): Conflicting classifications of pathogenicity. Review status: criteria provided, conflicting classifications (1 of 4 stars). 5 submissions from 5 submitters: Uncertain significance (2); Benign (2); Likely benign (1). Last evaluated 2026-07-01.

Conditions:
Short-rib thoracic dysplasia 6 with or without polydactyly (SRTD6). Also called: SHORT RIB-POLYDACTYLY SYNDROME, TYPE IIA; POLYDACTYLY WITH NEONATAL CHONDRODYSTROPHY, TYPE II; Majewski Syndrome; SHORT-RIB THORACIC DYSPLASIA 6 WITH POLYDACTYLY; SHORT-RIB THORACIC DYSPLASIA 6 WITHOUT POLYDACTYLY. Identifiers: MedGen C0024507, MONDO:0009894, OMIM 263520.
NEK1-related disorder. Also called: NEK1-related condition.

Allele frequency attached by ClinVar (database versions not stated): TOPMed 0.00005; ESP Exome Variant Server 0.00008; 1000 Genomes Project 30x 0.00016; 1000 Genomes Project 0.00020; gnomAD exomes 0.00024 and 0.00061; ExAC 0.00054; gnomAD 0.00064 and 0.00067.
gnomAD v4.1: 446 of 1,613,536 alleles (0.028%); highest among the groups gnomAD compares: Non-Finnish European, 0.0055%; 3 homozygotes.

Submissions (5):

CeGaT Center for Human Genetics Tuebingen
Classification: Uncertain significance. Last evaluated: 2026-07-01. Review status: criteria provided, single submitter. Criteria: CeGaT Center For Human Genetics Tuebingen Variant Classification Criteria Version 2. Collection method: clinical testing. Allele origin: germline. Affected: yes. Observed: 1 variant allele.

PreventionGenetics, part of Exact Sciences
Classification: Benign for NEK1-related condition. Last evaluated: 2024-12-17. Review status: criteria provided, single submitter. Criteria: ACMG Guidelines, 2015. Collection method: clinical testing. Allele origin: germline.
Comment: This variant is classified as benign based on ACMG/AMP sequence variant interpretation guidelines (Richards et al. 2015 PMID: 25741868, with internal and published modifications).

Blueprint Genetics
Classification: Likely benign. Last evaluated: 2024-08-14. Review status: criteria provided, single submitter. Criteria: ACMG Guidelines, 2015. Collection method: clinical testing. Allele origin: germline.

Labcorp Genetics (formerly Invitae), Labcorp
Classification: Benign for Short-rib thoracic dysplasia 6 with or without polydactyly. Last evaluated: 2024-05-01. Review status: criteria provided, single submitter. Criteria: Invitae Variant Classification Sherloc (09022015). Collection method: clinical testing. Allele origin: germline.

Illumina Laboratory Services, Illumina
Classification: Uncertain significance for Short-rib thoracic dysplasia 6 with or without polydactyly. Last evaluated: 2018-01-12. Review status: criteria provided, single submitter. Criteria: ICSL Variant Classification Criteria 13 December 2019. Collection method: clinical testing. Allele origin: germline.